The following is an entry in ClinVar:

ClinVar aggregate classification (germline): Likely benign (0 of 4 stars; one submission).

Conditions:
PIEZO1-related disorder. Also called: PIEZO1-related condition; PIEZO1-Related Disorders.

Allele frequency attached by ClinVar (database versions not stated): gnomAD 0.00004; gnomAD exomes 0.00004.
gnomAD v4.1: 55 of 1,547,976 alleles (0.0036%); highest among the groups gnomAD compares: African/African-American, 0.014%; 1 homozygote.

Submission:

PreventionGenetics, part of Exact Sciences
Classification: Likely benign for PIEZO1-related condition. Last evaluated: 2023-02-22. Review status: no assertion criteria provided. Collection method: clinical testing. Allele origin: germline.
Comment: This variant is classified as likely benign based on ACMG/AMP sequence variant interpretation guidelines (Richards et al. 2015 PMID: 25741868, with internal and published modifications).

NM_001142864.4(PIEZO1):c.4491G>A (p.Ala1497=)

Gene: PIEZO1 (piezo type mechanosensitive ion channel component 1 (Er blood group); minus strand). Cytogenetic location: 16q24.3.
Variant type: single nucleotide variant.
Coding change: c.4491G>A on transcript NM_001142864.4 (MANE Select); coding-DNA position 4491, G replaced by A.
Protein change: p.Ala1497=; no amino-acid change (alanine 1497 retained).
Molecular consequence: synonymous variant.
Genome position (GRCh38, 1-based): chr16:88,723,099, C>T on the plus strand (G>A on the coding strand, the complement: PIEZO1 is on the minus strand). VCF-style: chr16-88723099-C-T. GRCh37 (hg19) VCF-style: chr16-88789507-C-T.
Other names: c.3033G>A, p.Ala1011= (NM_014745.1).
Identifiers: ClinVar variation 3036141 (VCV003036141.2), dbSNP rs887981494, ClinGen allele CA286410186.